The following is an entry in ClinVar:

ClinVar aggregate classification (germline): Uncertain significance (1 of 4 stars; one submission).

Submission:

Labcorp Genetics (formerly Invitae), Labcorp
Classification: Uncertain significance. Last evaluated: 2021-06-05. Review status: criteria provided, single submitter. Criteria: Invitae Variant Classification Sherloc (09022015). Collection method: clinical testing. Allele origin: germline.
Comment: In summary, the available evidence is currently insufficient to determine the role of this variant in disease. Therefore, it has been classified as a Variant of Uncertain Significance. Advanced modeling of protein sequence and biophysical properties (such as structural, functional, and spatial information, amino acid conservation, physicochemical variation, residue mobility, and thermodynamic stability) performed at Invitae indicates that this missense variant is not expected to disrupt CPLANE1 protein function. This sequence change replaces cysteine with arginine at codon 3107 of the CPLANE1 protein (p.Cys3107Arg). The cysteine residue is highly conserved and there is a large physicochemical difference between cysteine and arginine. This variant is not present in population databases (ExAC no frequency). This variant has not been reported in the literature in individuals with CPLANE1-related conditions.

NM_001384732.1(CPLANE1):c.9481T>C (p.Cys3161Arg)

Gene: CPLANE1 (ciliogenesis and planar polarity effector complex subunit 1; minus strand). Cytogenetic location: 5p13.2.
Variant type: single nucleotide variant.
Coding change: c.9481T>C on transcript NM_001384732.1 (MANE Select); coding-DNA position 9481, T replaced by C.
Protein change: p.Cys3161Arg; replaces cysteine 3161 with arginine.
Molecular consequence: missense variant.
Genome position (GRCh38, 1-based): chr5:37,108,391, A>G on the plus strand (T>C on the coding strand, the complement: CPLANE1 is on the minus strand). VCF-style: chr5-37108391-A-G. GRCh37 (hg19) VCF-style: chr5-37108493-A-G.
Other names: c.9319T>C, p.Cys3107Arg (NM_023073.4); short protein forms C3107R, C3161R.
Identifiers: ClinVar variation 1399418 (VCV001399418.8), dbSNP rs2149858484, ClinGen allele CA359489963.
Genomic context (GRCh38, chr5:37,108,391, plus strand): 5'-GGATTTCTGAAGGTATCGTCCAGGGACTCACCACAGTCTCCTCTCTTTCATACTCTACAC[A>G]CACCTGCTTGGTTTGAGGTGCAAGCCCAGCACTTCCATGTTTTTTTGTATGCTGCAGACT-3'
Protein context (NP_001371661.1, residues 3151-3171): AGLAPQTKQV[Cys3161Arg]VEYEREETVV